The following is an entry in ClinVar:

ClinVar aggregate classification (germline): Uncertain significance (1 of 4 stars; one submission).

Submission:

GeneDx
Classification: Uncertain significance. Last evaluated: 2022-04-26. Review status: criteria provided, single submitter. Criteria: GeneDx Variant Classification Process June 2021. Collection method: clinical testing. Allele origin: germline. Affected: yes.
Comment: Not observed at significant frequency in large population cohorts (gnomAD); In silico analysis supports that this missense variant has a deleterious effect on protein structure/function; Has not been previously published as pathogenic or benign to our knowledge

NM_001009944.3(PKD1):c.4315G>T (p.Gly1439Cys)

Gene: PKD1 (polycystin 1, transient receptor potential channel interacting; minus strand). Cytogenetic location: 16p13.3.
Variant type: single nucleotide variant.
Coding change: c.4315G>T on transcript NM_001009944.3 (MANE Select); coding-DNA position 4315, G replaced by T.
Protein change: p.Gly1439Cys; replaces glycine 1439 with cysteine.
Molecular consequence: missense variant.
Genome position (GRCh38, 1-based): chr16:2,110,852, C>A on the plus strand (G>T on the coding strand, the complement: PKD1 is on the minus strand). VCF-style: chr16-2110852-C-A. GRCh37 (hg19) VCF-style: chr16-2160853-C-A.
Other names: c.4315G>T, p.Gly1439Cys (NM_000296.4); short protein forms G1439C.
Identifiers: ClinVar variation 1712814 (VCV001712814.2), dbSNP rs2544823041, ClinGen allele CA394380772.